The following is an entry in ClinVar:

ClinVar aggregate classification (germline): Pathogenic (0 of 4 stars; one submission).

Conditions:
Leukocyte adhesion deficiency 1 (LAD1). Also called: LEUKOCYTE ADHESION DEFICIENCY, TYPE I; LAD 1; Lymphocyte function-associated antigen 1 immunodeficiency; LFA 1 immunodeficiency. Identifiers: Orphanet 2968, Orphanet 99842, MedGen C0398738, MONDO:0007293, OMIM 116920.

Submission:

Genomic Research Center, Shahid Beheshti University of Medical Sciences
Classification: Pathogenic for Leukocyte adhesion deficiency type 1. Review status: no assertion criteria provided. Collection method: not provided. Allele origin: inherited. Study: Mutation spectra of the ITGB2 gene in Iranian families with leukocyte adhesion deficiency type 1.
ClinVar note: Converted during submission from pathogenic to Pathogenic.

NM_000211.5(ITGB2):c.897+1G>T

Gene: ITGB2 (integrin subunit beta 2; minus strand). Cytogenetic location: 21q22.3.
Variant type: single nucleotide variant.
Coding change: c.897+1G>T on transcript NM_000211.5 (MANE Select); the canonical splice donor site of the intron after coding-DNA position 897, G replaced by T.
Molecular consequence: splice donor variant.
Genome position (GRCh38, 1-based): chr21:44,900,319, C>A on the plus strand (G>T on the coding strand, the complement: ITGB2 is on the minus strand). VCF-style: chr21-44900319-C-A. GRCh37 (hg19) VCF-style: chr21-46320234-C-A.
Other names: IVS7+1G>T; c.897+1G>T (NM_001127491.3); c.690+1G>T (NM_001303238.2).
Identifiers: ClinVar variation 100764 (VCV000100764.4), dbSNP rs201752283, ClinGen allele CA249784.
Genomic context (GRCh38, chr21:44,900,319, plus strand): 5'-TGTCTCCTCCGTCAGTGGTGTCCTGCCAGGCGGTGCCTGGGTGCCTGGGGTGGGGACTTA[C>A]GAATTCGTTGCTCCTCTTGTACAAGTTGTCCTCCAGGTGACAGCGGCCGTCGTTGGGGGT-3'